The following is an entry in ClinVar:

NM_017763.6(RNF43):c.2064G>A (p.Val688=)

Gene: RNF43 (ring finger protein 43; minus strand). Cytogenetic location: 17q22.
Variant type: single nucleotide variant.
Coding change: c.2064G>A on transcript NM_017763.6 (MANE Select); coding-DNA position 2064, G replaced by A.
Protein change: p.Val688=; no amino-acid change (valine 688 retained).
Molecular consequence: synonymous variant.
Genome position (GRCh38, 1-based): chr17:58,357,712, C>T on the plus strand (G>A on the coding strand, the complement: RNF43 is on the minus strand). VCF-style: chr17-58357712-C-T. GRCh37 (hg19) VCF-style: chr17-56435073-C-T.
Other names: c.2064G>A, p.Val688= (NM_001305544.3, NM_001438820.1, NM_001438821.1 and 1 more transcripts); c.1683G>A, p.Val561= (NM_001305545.2, NM_001437987.1).
Identifiers: ClinVar variation 5042143 (VCV005042143.1).

ClinVar aggregate classification (germline): Benign (1 of 4 stars; one submission).

Conditions:
Sessile serrated polyposis cancer syndrome (SSPCS). Identifiers: Orphanet 157798, MedGen C4310714, MONDO:0014919, OMIM 617108.

gnomAD v4.1: 1 of 1,611,482 alleles (0.000062%); highest among the groups gnomAD compares: Non-Finnish European, 0.000085%; no homozygotes.

Submission:

Myriad Genetics, Inc.
Classification: Benign for Sessile serrated polyposis cancer syndrome. Last evaluated: 2026-07-02. Review status: criteria provided, single submitter. Criteria: Myriad Autosomal Dominant, Autosomal Recessive and X-Linked Classification Criteria (2023). Collection method: clinical testing. Allele origin: unknown.
Comment: This variant is considered benign. This variant is a silent/synonymous amino acid change and it is not expected to impact splicing.